The following is an entry in ClinVar:

NM_001194998.2(CEP152):c.4563T>C (p.His1521=)

Gene: CEP152 (centrosomal protein 152; minus strand). Cytogenetic location: 15q21.1.
Variant type: single nucleotide variant.
Coding change: c.4563T>C on transcript NM_001194998.2 (MANE Select); coding-DNA position 4563, T replaced by C.
Protein change: p.His1521=; no amino-acid change (histidine 1521 retained).
Molecular consequence: synonymous variant.
Genome position (GRCh38, 1-based): chr15:48,738,819, A>G on the plus strand (T>C on the coding strand, the complement: CEP152 is on the minus strand). VCF-style: chr15-48738819-A-G. GRCh37 (hg19) VCF-style: chr15-49031016-A-G.
Other names: c.4395T>C, p.His1465= (NM_014985.4).
Identifiers: ClinVar variation 2645317 (VCV002645317.28), dbSNP rs769990157, ClinGen allele CA7548078.
Genomic context (GRCh38, chr15:48,738,819, plus strand): 5'-TAGTGGATTGCATTTATATACTTTTAAACCAAGTCTTTCATTAGAATCGCGAAAGGTTAT[A>G]TGCATGCATCCTGATTCAGAAGGACCAGGGGTACATCTAGGTGAGGGTTTATTTCCTAAG-3'
Protein context (NP_001181927.1, residues 1511-1531): TPGPSESGCM[His1521=]ITFRDSNERL

ClinVar aggregate classification (germline): Likely benign. Review status: criteria provided, multiple submitters, no conflicts (2 of 4 stars). 3 submissions from 3 submitters: Likely benign (3). Last evaluated 2024-04-23.

Allele frequency attached by ClinVar (database versions not stated): ExAC 0.00001; gnomAD 0.00001; gnomAD exomes 0.00001; TOPMed 0.00001.
gnomAD v4.1: 18 of 1,614,080 alleles (0.0011%); highest among the groups gnomAD compares: Non-Finnish European, 0.0015%; no homozygotes.

Submissions (3):

Blueprint Genetics
Classification: Likely benign. Last evaluated: 2024-04-23. Review status: criteria provided, single submitter. Criteria: ACMG Guidelines, 2015. Collection method: clinical testing. Allele origin: germline.

Labcorp Genetics (formerly Invitae), Labcorp
Classification: Likely benign. Last evaluated: 2024-02-05. Review status: criteria provided, single submitter. Criteria: Invitae Variant Classification Sherloc (09022015). Collection method: clinical testing. Allele origin: germline.

CeGaT Center for Human Genetics Tuebingen
Classification: Likely benign. Last evaluated: 2022-03-01. Review status: criteria provided, single submitter. Criteria: CeGaT Center For Human Genetics Tuebingen Variant Classification Criteria Version 2. Collection method: clinical testing. Allele origin: germline. Affected: yes. Observed: 1 variant allele.
Comment: CEP152: BP4, BP7